The following is an entry in ClinVar:

NM_000203.5(IDUA):c.1154C>G (p.Pro385Arg)

Gene: IDUA (alpha-L-iduronidase; plus strand). Cytogenetic location: 4p16.3.
Variant type: single nucleotide variant.
Coding change: c.1154C>G on transcript NM_000203.5 (MANE Select); coding-DNA position 1154, C replaced by G.
Protein change: p.Pro385Arg; replaces proline 385 with arginine.
Molecular consequence: missense variant. On other transcripts: non-coding transcript variant (1).
Genome position (GRCh38, 1-based): chr4:1,002,450, C>G. VCF-style: chr4-1002450-C-G. GRCh37 (hg19) VCF-style: chr4-996238-C-G.
Other names: c.758C>G, p.Pro253Arg (NM_001363576.1); short protein forms P385R, P253R.
Identifiers: ClinVar variation 556024 (VCV000556024.8), dbSNP rs1553917309, ClinGen allele CA355963438.

ClinVar aggregate classification (germline): Uncertain significance. Review status: criteria provided, multiple submitters, no conflicts (2 of 4 stars). 4 submissions from 4 submitters: Uncertain significance (3). 1 of the submissions does not count toward it. Last evaluated 2024-10-22.

Conditions:
Hurler syndrome. Also called: Gargoylism, Hurler Syndrome; MUCOPOLYSACCHARIDOSIS TYPE IH; Severe MPS I (Hurler Syndrome). Identifiers: Orphanet 93473, MedGen C0086795, MONDO:0011758, OMIM 607014.
Inborn genetic diseases. Identifiers: MedGen C0950123, MeSH D030342.

Allele frequency attached by ClinVar (database versions not stated): TOPMed 0.00001; gnomAD 0.00001.

Submissions (4):

Women's Health and Genetics/Laboratory Corporation of America, LabCorp
Classification: Uncertain significance. Last evaluated: 2024-10-22. Review status: criteria provided, single submitter. Criteria: LabCorp Variant Classification Summary - May 2015. Collection method: clinical testing. Allele origin: germline.
Comment: Variant summary: IDUA c.1154C>G (p.Pro385Arg) results in a non-conservative amino acid change located in the Glycosyl hydrolases family 39, N-terminal catalytic domain (IPR049166) of the encoded protein sequence. Five of five in-silico tools predict a damaging effect of the variant on protein function. The variant was absent in 158834 control chromosomes. The available data on variant occurrences in the general population are insufficient to allow any conclusion about variant significance. c.1154C>G has been reported in the literature in the compound heterozygous state in at least one individual affected with Mucopolysaccharidosis Type 1 and in one individual with an abnormal newborn screen who had normal glycosaminoglycans (Bertola_2011, Fillman_2023). These data do not allow any conclusion about variant significance. To our knowledge, no experimental evidence demonstrating an impact on protein function has been reported. The following publications have been ascertained in the context of this evaluation (PMID: 21394825, 37516270). ClinVar contains an entry for this variant (Variation ID: 556024). Based on the evidence outlined above, the variant was classified as uncertain significance.

Ambry Genetics
Classification: Uncertain significance for Inborn genetic diseases. Last evaluated: 2022-07-12. Review status: criteria provided, single submitter. Criteria: Ambry Variant Classification Scheme 2023. Collection method: clinical testing. Allele origin: germline.

Revvity Omics, Revvity
Classification: Uncertain significance. Last evaluated: 2020-01-20. Review status: criteria provided, single submitter. Criteria: ACMG Guidelines, 2015. Collection method: clinical testing. Allele origin: germline.

Counsyl
Classification: Uncertain significance for Hurler syndrome. Last evaluated: 2018-01-08. Review status: no assertion criteria provided. Collection method: clinical testing. Allele origin: unknown. Not counted in ClinVar's aggregate classification.

Literature cited by the submitters: PubMed 21394825 (cited by 3 submitters); PubMed 37516270 (cited by Women's Health and Genetics/Laboratory Corporation of America, LabCorp); PubMed 24036510 (cited by Ambry Genetics and Counsyl); PubMed 24480078 (cited by Ambry Genetics).